The following is an entry in ClinVar:

ClinVar aggregate classification (germline): Uncertain significance (1 of 4 stars; one submission).

Allele frequency attached by ClinVar (database versions not stated): gnomAD exomes below 0.00001.
gnomAD v4.1: 1 of 1,208,501 alleles (0.000083%); highest among the groups gnomAD compares: South Asian, 0.0018%; no homozygotes.

Submission:

GeneDx
Classification: Uncertain significance. Last evaluated: 2022-04-15. Review status: criteria provided, single submitter. Criteria: GeneDx Variant Classification Process June 2021. Collection method: clinical testing. Allele origin: germline. Affected: yes.
Comment: Not observed at significant frequency in large population cohorts (gnomAD); In silico analysis supports that this missense variant does not alter protein structure/function; Has not been previously published as pathogenic or benign to our knowledge

NM_001367721.1(CASK):c.2707A>G (p.Ile903Val)

Genes: CASK (calcium/calmodulin dependent serine protein kinase; minus strand), CASK-AS1 (CASK antisense RNA 1; plus strand). Cytogenetic location: Xp11.4.
Variant type: single nucleotide variant.
Coding change: c.2707A>G on transcript NM_001367721.1 (MANE Select); coding-DNA position 2707, A replaced by G.
Protein change: p.Ile903Val; replaces isoleucine 903 with valine.
Molecular consequence: missense variant.
Genome position (GRCh38, 1-based): chrX:41,520,494, T>C on the plus strand (A>G on the coding strand, the complement: CASK is on the minus strand). VCF-style: chrX-41520494-T-C. GRCh37 (hg19) VCF-style: chrX-41379747-T-C.
Other names: c.2689A>G, p.Ile897Val (NM_001410745.1); c.2692A>G, p.Ile898Val (NM_003688.4); c.2623A>G, p.Ile875Val (NM_001126054.3); c.2620A>G, p.Ile874Val (NM_001126055.3); short protein forms I874V, I875V, I897V, I898V, I903V.
Identifiers: ClinVar variation 1710662 (VCV001710662.2), dbSNP rs1456018910, ClinGen allele CA412988799.
Genomic context (GRCh38, chrX:41,520,494, plus strand): 5'-AGACAGGGACCCACTGTGGGGCTGTGCACACGAGCTCAACAGCTTCCTCCAGATGTCTGA[T>C]TGTCTCATCAATTTCATTGTTGATAATTGTGAGATCGAAGTAGTGTGCATATGTTCTCTG-3'
Protein context (NP_001354650.1, residues 893-913): TIINNEIDET[Ile903Val]RHLEEAVELV